The following is an entry in ClinVar:

ClinVar aggregate classification (germline): Conflicting classifications of pathogenicity. Review status: criteria provided, conflicting classifications (1 of 4 stars). 2 submissions from 2 submitters: Uncertain significance (1); Likely benign (1). Last evaluated 2026-06-04.

Conditions:
Hereditary cancer-predisposing syndrome. Also called: Hereditary Cancer Syndrome; Tumor predisposition; Hereditary neoplastic syndrome; Neoplastic Syndromes, Hereditary. Identifiers: Orphanet 140162, MedGen C0027672, MeSH D009386, MONDO:0015356.
Renal cell carcinoma. Identifiers: Orphanet 217071, MedGen C0007134, MeSH D002292, MONDO:0005086, HP:0005584.

Allele frequency attached by ClinVar (database versions not stated): gnomAD exomes below 0.00001; TOPMed below 0.00001; gnomAD 0.00001.
gnomAD v4.1: 2 of 1,613,952 alleles (0.00012%); highest among the groups gnomAD compares: African/African-American, 0.0027%; no homozygotes.

Submissions (2):

Ambry Genetics
Classification: Likely benign for Hereditary cancer-predisposing syndrome. Last evaluated: 2026-06-04. Review status: criteria provided, single submitter. Criteria: Ambry Variant Classification Scheme 2023. Collection method: clinical testing. Allele origin: germline.

Labcorp Genetics (formerly Invitae), Labcorp
Classification: Uncertain significance for Renal cell carcinoma. Last evaluated: 2024-01-06. Review status: criteria provided, single submitter. Criteria: Invitae Variant Classification Sherloc (09022015). Collection method: clinical testing. Allele origin: germline.
Comment: This sequence change replaces glycine, which is neutral and non-polar, with serine, which is neutral and polar, at codon 408 of the MET protein (p.Gly408Ser). This variant is present in population databases (no rsID available, gnomAD 0.007%). This variant has not been reported in the literature in individuals affected with MET-related conditions. ClinVar contains an entry for this variant (Variation ID: 454179). Algorithms developed to predict the effect of missense changes on protein structure and function output the following: SIFT: "Not Available"; PolyPhen-2: "Benign"; Align-GVGD: "Not Available". The serine amino acid residue is found in multiple mammalian species, which suggests that this missense change does not adversely affect protein function. In summary, the available evidence is currently insufficient to determine the role of this variant in disease. Therefore, it has been classified as a Variant of Uncertain Significance.

NM_000245.4(MET):c.1222G>A (p.Gly408Ser)

Gene: MET (MET proto-oncogene, receptor tyrosine kinase; plus strand). Cytogenetic location: 7q31.2.
Variant type: single nucleotide variant.
Coding change: c.1222G>A on transcript NM_000245.4 (MANE Select); coding-DNA position 1222, G replaced by A.
Protein change: p.Gly408Ser; replaces glycine 408 with serine.
Molecular consequence: missense variant. On other transcripts: 5 prime UTR variant (1).
Genome position (GRCh38, 1-based): chr7:116,731,689, G>A. VCF-style: chr7-116731689-G-A. GRCh37 (hg19) VCF-style: chr7-116371743-G-A.
Other names: c.1222G>A, p.Gly408Ser (NM_001127500.3, NM_001324401.3); c.-69G>A (NM_001324402.2); short protein forms G408S.
Identifiers: ClinVar variation 454179 (VCV000454179.14), dbSNP rs1289461217, ClinGen allele CA368972714.
Genomic context (GRCh38, chr7:116,731,689, plus strand): 5'-CTGGATTCACATTAACTCTATGACCATATTTTATTCCAGACACTTCTGAGAAATTCATCA[G>A]GCTGTGAAGCGCGCCGTGATGAATATCGAACAGAGTTTACCACAGCTTTGCAGCGCGTTG-3'
Protein context (NP_000236.2, residues 398-418): FNRTLLRNSS[Gly408Ser]CEARRDEYRT